The following is an entry in ClinVar:

ClinVar aggregate classification (germline): Uncertain significance (1 of 4 stars; one submission).

Conditions:
Familial adenomatous polyposis 1 (FAP1). Also called: FAMILIAL ADENOMATOUS POLYPOSIS 1, ATTENUATED; POLYPOSIS, ADENOMATOUS INTESTINAL. Identifiers: MedGen C2713442, MONDO:0021056, OMIM 175100. Disease mechanism: loss of function.

Submission:

Labcorp Genetics (formerly Invitae), Labcorp
Classification: Uncertain significance for Familial adenomatous polyposis 1. Last evaluated: 2022-07-13. Review status: criteria provided, single submitter. Criteria: Invitae Variant Classification Sherloc (09022015). Collection method: clinical testing. Allele origin: germline.
Comment: This sequence change replaces glutamine, which is neutral and polar, with lysine, which is basic and polar, at codon 1621 of the APC protein (p.Gln1621Lys). This variant is not present in population databases (gnomAD no frequency). In summary, the available evidence is currently insufficient to determine the role of this variant in disease. Therefore, it has been classified as a Variant of Uncertain Significance. Algorithms developed to predict the effect of missense changes on protein structure and function are either unavailable or do not agree on the potential impact of this missense change (SIFT: "Tolerated"; PolyPhen-2: "Probably Damaging"; Align-GVGD: "Class C0"). This variant has not been reported in the literature in individuals affected with APC-related conditions.

NM_000038.6(APC):c.4861C>A (p.Gln1621Lys)

Gene: APC (APC regulator of Wnt signaling pathway; plus strand). Cytogenetic location: 5q22.2.
Variant type: single nucleotide variant.
Coding change: c.4861C>A on transcript NM_000038.6 (MANE Select); coding-DNA position 4861, C replaced by A.
Protein change: p.Gln1621Lys; replaces glutamine 1621 with lysine.
Molecular consequence: missense variant.
Genome position (GRCh38, 1-based): chr5:112,840,455, C>A. VCF-style: chr5-112840455-C-A. GRCh37 (hg19) VCF-style: chr5-112176152-C-A.
Other names: c.4861C>A, p.Gln1621Lys (NM_001127510.3, NM_001354895.2, NM_001407450.1); c.4807C>A, p.Gln1603Lys (NM_001127511.3); c.4915C>A, p.Gln1639Lys (NM_001354896.2, NM_001407447.1, NM_001407448.1 and 1 more transcripts); c.4891C>A, p.Gln1631Lys (NM_001354897.2); c.4786C>A, p.Gln1596Lys (NM_001354898.2); c.4777C>A, p.Gln1593Lys (NM_001354899.2); c.4738C>A, p.Gln1580Lys (NM_001354900.2); c.4684C>A, p.Gln1562Lys (NM_001354901.2, NM_001407453.1); and 11 more; short protein forms Q1495K, Q1520K, Q1596K, Q1611K, Q1614K, Q1338K, Q1492K, Q1538K.
Identifiers: ClinVar variation 2016782 (VCV002016782.4), dbSNP rs762533972, ClinGen allele CA16031977.